The following is an entry in ClinVar:

NM_000465.4(BARD1):c.1454C>G (p.Ala485Gly)

Gene: BARD1 (BRCA1 associated RING domain 1; minus strand). Cytogenetic location: 2q35.
Variant type: single nucleotide variant.
Coding change: c.1454C>G on transcript NM_000465.4 (MANE Select); coding-DNA position 1454, C replaced by G.
Protein change: p.Ala485Gly; replaces alanine 485 with glycine.
Molecular consequence: missense variant. On other transcripts: non-coding transcript variant (3), intron variant (3).
Genome position (GRCh38, 1-based): chr2:214,767,596, G>C on the plus strand (C>G on the coding strand, the complement: BARD1 is on the minus strand). VCF-style: chr2-214767596-G-C. GRCh37 (hg19) VCF-style: chr2-215632320-G-C.
Other names: c.1397C>G, p.Ala466Gly (NM_001282543.2); c.159-15041C>G (NM_001282548.2); c.216-15041C>G (NM_001282545.2); c.364+24701C>G (NM_001282549.2); short protein forms A485G, A466G.
Identifiers: ClinVar variation 1773014 (VCV001773014.5), dbSNP rs866261211, ClinGen allele CA350448508.

ClinVar aggregate classification (germline): Uncertain significance. Review status: criteria provided, multiple submitters, no conflicts (2 of 4 stars). 2 submissions from 2 submitters: Uncertain significance (2). Last evaluated 2023-04-12.

Conditions:
Hereditary cancer-predisposing syndrome. Also called: Hereditary Cancer Syndrome; Hereditary neoplastic syndrome; Neoplastic Syndromes, Hereditary; Tumor predisposition. Identifiers: Orphanet 140162, MedGen C0027672, MeSH D009386, MONDO:0015356.
Familial cancer of breast. Also called: BREAST CANCER, FAMILIAL; Hereditary breast cancer; hereditary breast carcinoma. Identifiers: Orphanet 227535, MedGen C0346153, MONDO:0016419, OMIM 114480. Disease mechanism: loss of function.

Submissions (2):

Labcorp Genetics (formerly Invitae), Labcorp
Classification: Uncertain significance for Familial cancer of breast. Last evaluated: 2023-04-12. Review status: criteria provided, single submitter. Criteria: Invitae Variant Classification Sherloc (09022015). Collection method: clinical testing. Allele origin: germline.
Comment: In summary, the available evidence is currently insufficient to determine the role of this variant in disease. Therefore, it has been classified as a Variant of Uncertain Significance. An algorithm developed to predict the effect of missense changes on protein structure and function (PolyPhen-2) suggests that this variant is likely to be disruptive. ClinVar contains an entry for this variant (Variation ID: 1773014). This variant has not been reported in the literature in individuals affected with BARD1-related conditions. This variant is not present in population databases (gnomAD no frequency). This sequence change replaces alanine, which is neutral and non-polar, with glycine, which is neutral and non-polar, at codon 485 of the BARD1 protein (p.Ala485Gly).

Ambry Genetics
Classification: Uncertain significance for Hereditary cancer-predisposing syndrome. Last evaluated: 2022-01-24. Review status: criteria provided, single submitter. Criteria: Ambry Variant Classification Scheme 2023. Collection method: clinical testing. Allele origin: germline.
Comment: The p.A485G variant (also known as c.1454C>G), located in coding exon 6 of the BARD1 gene, results from a C to G substitution at nucleotide position 1454. The alanine at codon 485 is replaced by glycine, an amino acid with similar properties. This amino acid position is highly conserved in available vertebrate species. In addition, this alteration is predicted to be deleterious by in silico analysis. Since supporting evidence is limited at this time, the clinical significance of this alteration remains unclear.